The following is an entry in ClinVar:

ClinVar aggregate classification (germline): Uncertain significance (1 of 4 stars; one submission).

Conditions:
Cardiomyopathy (CMYO). Also called: Cardiomyopathies. Identifiers: Orphanet 167848, MedGen C0878544, MONDO:0004994, HP:0001638. Inheritance: Various modes of inheritance.

Allele frequency attached by ClinVar (database versions not stated): gnomAD exomes below 0.00001 and 0.00001.
gnomAD v4.1: 3 of 1,614,248 alleles (0.00019%); highest among the groups gnomAD compares: South Asian, 0.0011%; no homozygotes.

Submission:

Color Diagnostics, LLC DBA Color Health
Classification: Uncertain significance for Cardiomyopathy. Last evaluated: 2024-03-06. Review status: criteria provided, single submitter. Criteria: ACMG Guidelines, 2015. Collection method: clinical testing. Allele origin: germline.
Comment: This missense variant replaces aspartic acid with glycine at codon 122 of the DSP protein. Computational prediction suggests that this variant may not impact protein structure and function (internally defined REVEL score threshold <= 0.5, PMID: 27666373). To our knowledge, functional studies have not been reported for this variant. This variant has not been reported in individuals affected with cardiovascular disorders in the literature. This variant has been identified in 2/251434 chromosomes in the general population by the Genome Aggregation Database (gnomAD). The available evidence is insufficient to determine the role of this variant in disease conclusively. Therefore, this variant is classified as a Variant of Uncertain Significance.

NM_004415.4(DSP):c.365A>G (p.Asp122Gly)

Gene: DSP (desmoplakin; plus strand). Cytogenetic location: 6p24.3.
Variant type: single nucleotide variant.
Coding change: c.365A>G on transcript NM_004415.4 (MANE Select); coding-DNA position 365, A replaced by G.
Protein change: p.Asp122Gly; replaces aspartic acid 122 with glycine.
Molecular consequence: missense variant.
Genome position (GRCh38, 1-based): chr6:7,558,207, A>G. VCF-style: chr6-7558207-A-G. GRCh37 (hg19) VCF-style: chr6-7558440-A-G.
Other names: c.365A>G, p.Asp122Gly (NM_001008844.3, NM_001319034.2); short protein forms D122G.
Identifiers: ClinVar variation 1171605 (VCV001171605.3), dbSNP rs1206577405, ClinGen allele CA362671298.